The following is an entry in ClinVar:

NM_004453.4(ETFDH):c.240_241del (p.Ser82fs)

Gene: ETFDH (electron transfer flavoprotein dehydrogenase; plus strand). Cytogenetic location: 4q32.1.
Variant type: Deletion.
Coding change: c.240_241del on transcript NM_004453.4 (MANE Select); coding-DNA positions 240 to 241, 2 bases deleted (GC; older notation c.240_241delGC).
Protein change: p.Ser82fs; shifts the reading frame from serine 82.
Molecular consequence: frameshift variant.
Genome position (GRCh38, 1-based): chr4:158,682,259-158,682,260, GC deleted. VCF-style (leftmost placement, unchanged base first): chr4-158682258-GGC-G. GRCh37 (hg19) VCF-style: chr4-159603410-GGC-G.
Other names: c.99_100del, p.Ser35fs (NM_001281737.2); c.57_58del, p.Ser21fs (NM_001281738.1); short protein forms S35fs, S21fs, S82fs.
Identifiers: ClinVar variation 2820065 (VCV002820065.3), dbSNP rs2479080223, ClinGen allele CA2739270337.

ClinVar aggregate classification (germline): Pathogenic (1 of 4 stars; one submission).

Conditions:
Multiple acyl-CoA dehydrogenase deficiency (MADD). Also called: ETHYLMALONIC-ADIPICACIDURIA; GA II; Glutaric aciduria, type 2; Glutaric acidemia type II; GA 2; Glutaric Acidemia type 2. Identifiers: Orphanet 26791, MedGen C0268596, MONDO:0009282, OMIM 231680.

Submission:

Labcorp Genetics (formerly Invitae), Labcorp
Classification: Pathogenic for Multiple acyl-CoA dehydrogenase deficiency. Last evaluated: 2022-12-10. Review status: criteria provided, single submitter. Criteria: Invitae Variant Classification Sherloc (09022015). Collection method: clinical testing. Allele origin: germline.
Comment: This variant is not present in population databases (gnomAD no frequency). For these reasons, this variant has been classified as Pathogenic. This variant has not been reported in the literature in individuals affected with ETFDH-related conditions. This sequence change creates a premature translational stop signal (p.Ser82Cysfs*13) in the ETFDH gene. It is expected to result in an absent or disrupted protein product. Loss-of-function variants in ETFDH are known to be pathogenic (PMID: 16510302, 23785301).

Literature cited by the submitters: PubMed 16510302; PubMed 23785301.